The following is an entry in ClinVar:

ClinVar aggregate classification (germline): Conflicting classifications of pathogenicity. Review status: criteria provided, conflicting classifications (1 of 4 stars). 2 submissions from 2 submitters: Uncertain significance (1); Likely benign (1). Last evaluated 2023-03-23.

Conditions:
Hereditary cancer-predisposing syndrome. Also called: Neoplastic Syndromes, Hereditary; Hereditary Cancer Syndrome; Tumor predisposition; Hereditary neoplastic syndrome. Identifiers: Orphanet 140162, MedGen C0027672, MeSH D009386, MONDO:0015356.
Hereditary breast ovarian cancer syndrome. Also called: Hereditary breast and ovarian cancer syndrome; Hereditary breast and ovarian cancer syndrome (HBOC); BRCA1- and BRCA2-Associated Hereditary Breast and Ovarian Cancer; Hereditary breast and ovarian cancer; Hereditary breast and/or ovarian cancer syndrome; Breast and ovarian cancer. Identifiers: Orphanet 145, MedGen C0677776, MeSH D061325, MONDO:0003582. Disease mechanism: loss of function.

Submissions (2):

University of Washington Department of Laboratory Medicine, University of Washington
Classification: Likely benign for Hereditary cancer-predisposing syndrome. Last evaluated: 2023-03-23. Review status: criteria provided, single submitter. Criteria: Dines et al. (Genet Med. 2020). Collection method: curation. Allele origin: germline.
Comment: Missense variant in a coldspot region where missense variants are very unlikely to be pathogenic (PMID:31911673).

BRCA1 coldspot (exon 11 using historical exon numbering). Reclassification based on statistical prior probability

Labcorp Genetics (formerly Invitae), Labcorp
Classification: Uncertain significance for Hereditary breast ovarian cancer syndrome. Last evaluated: 2020-03-05. Review status: criteria provided, single submitter. Criteria: Invitae Variant Classification Sherloc (09022015). Collection method: clinical testing. Allele origin: germline.
Comment: This sequence change replaces arginine with tryptophan at codon 618 of the BRCA1 protein (p.Arg618Trp). The arginine residue is moderately conserved and there is a moderate physicochemical difference between arginine and tryptophan. This variant is not present in population databases (ExAC no frequency). This variant has not been reported in the literature in individuals with BRCA1-related conditions. Algorithms developed to predict the effect of missense changes on protein structure and function are either unavailable or do not agree on the potential impact of this missense change (SIFT: "Deleterious"; PolyPhen-2: "Probably Damaging"; Align-GVGD: "Class C0"). In summary, the available evidence is currently insufficient to determine the role of this variant in disease. Therefore, it has been classified as a Variant of Uncertain Significance.

NM_007294.4(BRCA1):c.1852A>T (p.Arg618Trp)

Gene: BRCA1 (BRCA1 DNA repair associated; minus strand). Cytogenetic location: 17q21.31.
Variant type: single nucleotide variant.
Coding change: c.1852A>T on transcript NM_007294.4 (MANE Select); coding-DNA position 1852, A replaced by T.
Protein change: p.Arg618Trp; replaces arginine 618 with tryptophan.
Molecular consequence: missense variant. On other transcripts: intron variant (137).
Genome position (GRCh38, 1-based): chr17:43,093,679, T>A on the plus strand (A>T on the coding strand, the complement: BRCA1 is on the minus strand). VCF-style: chr17-43093679-T-A. GRCh37 (hg19) VCF-style: chr17-41245696-T-A.
Other names: c.1639A>T, p.Arg547Trp (NM_001407571.1, NM_001407853.1, NM_001407894.1 and 9 more transcripts); c.1852A>T, p.Arg618Trp (NM_001407581.1, NM_001407582.1, NM_001407583.1 and 30 more transcripts); c.1849A>T, p.Arg617Trp (NM_001407587.1, NM_001407590.1, NM_001407591.1 and 22 more transcripts); c.1843A>T, p.Arg615Trp (NM_001407646.1, NM_001407647.1); c.1729A>T, p.Arg577Trp (NM_001407648.1, NM_001407664.1, NM_001407665.1 and 19 more transcripts); c.1726A>T, p.Arg576Trp (NM_001407649.1, NM_001407670.1, NM_001407671.1 and 11 more transcripts); c.1774A>T, p.Arg592Trp (NM_001407653.1, NM_001407654.1, NM_001407655.1 and 4 more transcripts); c.1771A>T, p.Arg591Trp (NM_001407659.1, NM_001407660.1, NM_001407661.1 and 1 more transcripts); and 40 more; short protein forms R571W, R618W, R548W, R576W, R591W, R491W, R507W, R529W.
Identifiers: ClinVar variation 1038775 (VCV001038775.12), dbSNP rs2053872916, ClinGen allele CA10598316.